The following is an entry in ClinVar:

ClinVar aggregate classification (germline): Uncertain significance. Review status: criteria provided, multiple submitters, no conflicts (2 of 4 stars). 2 submissions from 2 submitters: Uncertain significance (2). Last evaluated 2025-04-16.

Submissions (2):

GeneDx
Classification: Uncertain significance. Last evaluated: 2025-04-16. Review status: criteria provided, single submitter. Criteria: GeneDx Variant Classification Process June 2021. Collection method: clinical testing. Allele origin: germline. Affected: yes.
Comment: Not observed at significant frequency in large population cohorts (gnomAD); In silico analysis supports that this missense variant has a deleterious effect on protein structure/function; Has not been previously published as pathogenic or benign to our knowledge

Revvity Omics, Revvity
Classification: Uncertain significance. Last evaluated: 2023-11-20. Review status: criteria provided, single submitter. Criteria: ACMG Guidelines, 2015. Collection method: clinical testing. Allele origin: germline.

NM_000540.3(RYR1):c.5242C>T (p.Pro1748Ser)

Gene: RYR1 (ryanodine receptor 1; plus strand). Cytogenetic location: 19q13.2.
Variant type: single nucleotide variant.
Coding change: c.5242C>T on transcript NM_000540.3 (MANE Select); coding-DNA position 5242, C replaced by T.
Protein change: p.Pro1748Ser; replaces proline 1748 with serine.
Molecular consequence: missense variant.
Genome position (GRCh38, 1-based): chr19:38,485,897, C>T. VCF-style: chr19-38485897-C-T. GRCh37 (hg19) VCF-style: chr19-38976537-C-T.
Other names: c.5242C>T, p.Pro1748Ser (NM_001042723.2); short protein forms P1748S.
Identifiers: ClinVar variation 2689891 (VCV002689891.3), dbSNP rs2514228338, ClinGen allele CA405654278.